The following is an entry in ClinVar:

ClinVar aggregate classification (germline): Likely pathogenic (1 of 4 stars; one submission).

Conditions:
X-linked agammaglobulinemia with growth hormone deficiency (IGHD3). Also called: HYPOGAMMAGLOBULINEMIA AND ISOLATED GROWTH HORMONE DEFICIENCY, X-LINKED; IGHD III; AGAMMAGLOBULINEMIA AND ISOLATED GROWTH HORMONE DEFICIENCY, X-LINKED; FLEISHER SYNDROME; ISOLATED GROWTH HORMONE DEFICIENCY, TYPE III, WITH AGAMMAGLOBULINEMIA; Isolated growth hormone deficiency type 3. Identifiers: Orphanet 231692, Orphanet 631, MedGen C0472813, MONDO:0010615, OMIM 307200.

Submission:

Labcorp Genetics (formerly Invitae), Labcorp
Classification: Likely pathogenic for X-linked agammaglobulinemia with growth hormone deficiency. Last evaluated: 2025-09-17. Review status: criteria provided, single submitter. Criteria: Invitae Variant Classification Sherloc (09022015). Collection method: clinical testing. Allele origin: germline.
Comment: This sequence change replaces leucine, which is neutral and non-polar, with glutamine, which is neutral and polar, at codon 512 of the BTK protein (p.Leu512Gln). This variant is not present in population databases (gnomAD no frequency). This missense change has been observed in individual(s) with BTK-related conditions (PMID: 10612838). Invitae Evidence Modeling of protein sequence and biophysical properties (such as structural, functional, and spatial information, amino acid conservation, physicochemical variation, residue mobility, and thermodynamic stability) indicates that this missense variant is expected to disrupt BTK protein function with a positive predictive value of 95%. This variant disrupts the p.Leu512 amino acid residue in BTK. Other variant(s) that disrupt this residue have been determined to be pathogenic (PMID: 10612838, 11438999, 31967259; internal data). This suggests that this residue is clinically significant, and that variants that disrupt this residue are likely to be disease-causing. In summary, the currently available evidence indicates that the variant is pathogenic, but additional data are needed to prove that conclusively. Therefore, this variant has been classified as Likely Pathogenic.

Literature cited by the submitters: PubMed 10612838; PubMed 11438999; PubMed 31967259.

NM_000061.3(BTK):c.1535T>A (p.Leu512Gln)

Gene: BTK (Bruton tyrosine kinase; minus strand). Cytogenetic location: Xq22.1.
Variant type: single nucleotide variant.
Coding change: c.1535T>A on transcript NM_000061.3 (MANE Select); coding-DNA position 1535, T replaced by A.
Protein change: p.Leu512Gln; replaces leucine 512 with glutamine.
Molecular consequence: missense variant. On other transcripts: intron variant (1).
Genome position (GRCh38, 1-based): chrX:101,356,083, A>T on the plus strand (T>A on the coding strand, the complement: BTK is on the minus strand). VCF-style: chrX-101356083-A-T. GRCh37 (hg19) VCF-style: chrX-100611071-A-T.
Other names: c.1637T>A, p.Leu546Gln (NM_001287344.2); c.1039-1389T>A (NM_001287345.2); short protein forms L512Q, L546Q.
Identifiers: ClinVar variation 4710827 (VCV004710827.1).